The following is an entry in ClinVar:

ClinVar aggregate classification (germline): Likely benign. Review status: criteria provided, multiple submitters, no conflicts (2 of 4 stars). 2 submissions from 2 submitters: Likely benign (2). Last evaluated 2024-06-26.

Conditions:
Benign neonatal seizures. Also called: Benign familial neonatal seizures; Benign neonatal familial convulsions; Benign familial neonatal epilepsy; Convulsions benign familial neonatal dominant form; Autosomal dominant form of benign neonatal seizures. Identifiers: Orphanet 1949, MedGen C0220669, MONDO:0016027.

Allele frequency attached by ClinVar (database versions not stated): gnomAD 0.00001.
gnomAD v4.1: 17 of 1,597,864 alleles (0.0011%); highest among the groups gnomAD compares: Non-Finnish European, 0.0013%; no homozygotes.

Submissions (2):

Labcorp Genetics (formerly Invitae), Labcorp
Classification: Likely benign for Benign neonatal seizures. Last evaluated: 2024-06-26. Review status: criteria provided, single submitter. Criteria: Invitae Variant Classification Sherloc (09022015). Collection method: clinical testing. Allele origin: germline.

GeneDx
Classification: Likely benign. Last evaluated: 2017-09-01. Review status: criteria provided, single submitter. Criteria: GeneDx Variant Classification (06012015). Collection method: clinical testing. Allele origin: germline. Affected: yes.
Comment: This variant is considered likely benign or benign based on one or more of the following criteria: it is a conservative change, it occurs at a poorly conserved position in the protein, it is predicted to be benign by multiple in silico algorithms, and/or has population frequency not consistent with disease.

NM_004519.4(KCNQ3):c.1799+17T>C

Gene: KCNQ3 (potassium voltage-gated channel subfamily Q member 3; minus strand). Cytogenetic location: 8q24.22.
Variant type: single nucleotide variant.
Coding change: c.1799+17T>C on transcript NM_004519.4 (MANE Select); 17 bases into the intron after coding-DNA position 1799, T replaced by C.
Molecular consequence: intron variant.
Genome position (GRCh38, 1-based): chr8:132,134,273, A>G on the plus strand (T>C on the coding strand, the complement: KCNQ3 is on the minus strand). VCF-style: chr8-132134273-A-G. GRCh37 (hg19) VCF-style: chr8-133146520-A-G.
Other names: c.1439+17T>C (NM_001204824.2).
Identifiers: ClinVar variation 511850 (VCV000511850.8), dbSNP rs772154355, ClinGen allele CA658797146.